The following is an entry in ClinVar:

ClinVar aggregate classification (germline): Pathogenic (1 of 4 stars; one submission).

Conditions:
Long QT syndrome (LQTS). Identifiers: MedGen C0023976, MeSH D008133, MONDO:0002442. Disease mechanism: loss of function. Inheritance: Various modes of inheritance.

Submission:

Labcorp Genetics (formerly Invitae), Labcorp
Classification: Pathogenic for Long QT syndrome. Last evaluated: 2018-10-24. Review status: criteria provided, single submitter. Criteria: Invitae Variant Classification Sherloc (09022015). Collection method: clinical testing. Allele origin: germline.
Comment: For these reasons, this variant has been classified as Pathogenic. Loss-of-function variants in KCNQ1 are known to be pathogenic (PMID: 9323054, 19862833). The frequency data for this variant in the population databases is considered unreliable, as metrics indicate insufficient coverage at this position in the ExAC database. This sequence change creates a premature translational stop signal (p.Trp17*) in the KCNQ1 gene. It is expected to result in an absent or disrupted protein product.

Literature cited by the submitters: PubMed 9323054; PubMed 19862833.

NM_000218.3(KCNQ1):c.51G>A (p.Trp17Ter)

Gene: KCNQ1 (potassium voltage-gated channel subfamily Q member 1; plus strand). Cytogenetic location: 11p15.5.
Variant type: single nucleotide variant.
Coding change: c.51G>A on transcript NM_000218.3 (MANE Select); coding-DNA position 51, G replaced by A.
Protein change: p.Trp17Ter; replaces tryptophan 17 with a stop codon.
Molecular consequence: nonsense.
Genome position (GRCh38, 1-based): chr11:2,445,149, G>A. VCF-style: chr11-2445149-G-A. GRCh37 (hg19) VCF-style: chr11-2466379-G-A.
Other names: short protein forms W17*.
Identifiers: ClinVar variation 663623 (VCV000663623.9), dbSNP rs1589884185, ClinGen allele CA379115908.